The following is an entry in ClinVar:

NM_000368.5(TSC1):c.1448C>T (p.Ser483Phe)

Gene: TSC1 (TSC complex subunit 1; minus strand). Cytogenetic location: 9q34.13.
Variant type: single nucleotide variant.
Coding change: c.1448C>T on transcript NM_000368.5 (MANE Select); coding-DNA position 1448, C replaced by T.
Protein change: p.Ser483Phe; replaces serine 483 with phenylalanine.
Molecular consequence: missense variant.
Genome position (GRCh38, 1-based): chr9:132,906,130, G>A on the plus strand (C>T on the coding strand, the complement: TSC1 is on the minus strand). VCF-style: chr9-132906130-G-A. GRCh37 (hg19) VCF-style: chr9-135781517-G-A.
Other names: c.1445C>T, p.Ser482Phe (NM_001162426.2); c.1295C>T, p.Ser432Phe (NM_001162427.2); c.1085C>T, p.Ser362Phe (NM_001362177.2); short protein forms S432F, S362F, S483F, S482F.
Identifiers: ClinVar variation 650051 (VCV000650051.8), dbSNP rs1588311235, ClinGen allele CA375365591.

ClinVar aggregate classification (germline): Uncertain significance (1 of 4 stars; one submission).

Conditions:
Tuberous sclerosis 1 (TSC1). Identifiers: Orphanet 805, MedGen C1854465, MONDO:0008612, OMIM 191100.

Submission:

Labcorp Genetics (formerly Invitae), Labcorp
Classification: Uncertain significance for Tuberous sclerosis 1. Last evaluated: 2023-07-10. Review status: criteria provided, single submitter. Criteria: Invitae Variant Classification Sherloc (09022015). Collection method: clinical testing. Allele origin: germline.
Comment: This sequence change replaces serine, which is neutral and polar, with phenylalanine, which is neutral and non-polar, at codon 483 of the TSC1 protein (p.Ser483Phe). This variant is not present in population databases (gnomAD no frequency). This variant has not been reported in the literature in individuals affected with TSC1-related conditions. ClinVar contains an entry for this variant (Variation ID: 650051). Advanced modeling of protein sequence and biophysical properties (such as structural, functional, and spatial information, amino acid conservation, physicochemical variation, residue mobility, and thermodynamic stability) performed at Invitae indicates that this missense variant is not expected to disrupt TSC1 protein function. In summary, the available evidence is currently insufficient to determine the role of this variant in disease. Therefore, it has been classified as a Variant of Uncertain Significance.